The following is an entry in ClinVar:

NM_012268.4(PLD3):c.348G>A (p.Ala116=)

Gene: PLD3 (phospholipase D family member 3; plus strand). Cytogenetic location: 19q13.2.
Variant type: single nucleotide variant.
Coding change: c.348G>A on transcript NM_012268.4 (MANE Select); coding-DNA position 348, G replaced by A.
Protein change: p.Ala116=; no amino-acid change (alanine 116 retained).
Molecular consequence: synonymous variant.
Genome position (GRCh38, 1-based): chr19:40,367,798, G>A. VCF-style: chr19-40367798-G-A. GRCh37 (hg19) VCF-style: chr19-40873705-G-A.
Other names: c.348G>A, p.Ala116= (NM_001031696.4, NM_001291311.2).
Identifiers: ClinVar variation 2649875 (VCV002649875.24), dbSNP rs1480294108, ClinGen allele CA507485861.

ClinVar aggregate classification (germline): Likely benign (1 of 4 stars; one submission).

Allele frequency attached by ClinVar (database versions not stated): TOPMed 0.00002.
gnomAD v4.1: 10 of 1,610,032 alleles (0.00062%); highest among the groups gnomAD compares: Admixed American, 0.0017%; no homozygotes.

Submission:

CeGaT Center for Human Genetics Tuebingen
Classification: Likely benign. Last evaluated: 2023-02-01. Review status: criteria provided, single submitter. Criteria: CeGaT Center For Human Genetics Tuebingen Variant Classification Criteria Version 2. Collection method: clinical testing. Allele origin: germline. Affected: yes. Observed: 1 variant allele.
Comment: PLD3: BP4, BP7